The following is an entry in ClinVar:

NM_005359.6(SMAD4):c.890A>G (p.His297Arg)

Gene: SMAD4 (SMAD family member 4; plus strand). Cytogenetic location: 18q21.2.
Variant type: single nucleotide variant.
Coding change: c.890A>G on transcript NM_005359.6 (MANE Select); coding-DNA position 890, A replaced by G.
Protein change: p.His297Arg; replaces histidine 297 with arginine.
Molecular consequence: missense variant.
Genome position (GRCh38, 1-based): chr18:51,058,442, A>G. VCF-style: chr18-51058442-A-G. GRCh37 (hg19) VCF-style: chr18-48584812-A-G.
Other names: short protein forms H297R.
Identifiers: ClinVar variation 405494 (VCV000405494.10), dbSNP rs1060500737, ClinGen allele CA16615834.

ClinVar aggregate classification (germline): Uncertain significance (1 of 4 stars; one submission).

Conditions:
Juvenile polyposis syndrome (JPS). Identifiers: Orphanet 2929, MedGen C0345893, MONDO:0017380, OMIM 174900.

Submission:

Labcorp Genetics (formerly Invitae), Labcorp
Classification: Uncertain significance for Juvenile polyposis syndrome. Last evaluated: 2020-09-15. Review status: criteria provided, single submitter. Criteria: Invitae Variant Classification Sherloc (09022015). Collection method: clinical testing. Allele origin: germline.
Comment: In summary, the available evidence is currently insufficient to determine the role of this variant in disease. Therefore, it has been classified as a Variant of Uncertain Significance. Algorithms developed to predict the effect of missense changes on protein structure and function (SIFT, PolyPhen-2, Align-GVGD) all suggest that this variant is likely to be tolerated, but these predictions have not been confirmed by published functional studies and their clinical significance is uncertain. This variant has not been reported in the literature in individuals with SMAD4-related disease. ClinVar contains an entry for this variant (Variation ID: 405494). This variant is not present in population databases (ExAC no frequency). This sequence change replaces histidine with arginine at codon 297 of the SMAD4 protein (p.His297Arg). The histidine residue is moderately conserved and there is a small physicochemical difference between histidine and arginine.